The following is an entry in ClinVar:

ClinVar aggregate classification (germline): Uncertain significance (1 of 4 stars; one submission).

Submission:

Women's Health and Genetics/Laboratory Corporation of America, LabCorp
Classification: Uncertain significance. Last evaluated: 2024-04-18. Review status: criteria provided, single submitter. Criteria: LabCorp Variant Classification Summary - May 2015. Collection method: clinical testing. Allele origin: germline.
Comment: Variant summary: GBA1 c.1204T>G (p.Tyr402Asp) results in a non-conservative amino acid change located in the Glycosyl hydrolase family 30, TIM-barrel domain (IPR033453) of the encoded protein sequence. Five of five in-silico tools predict a damaging effect of the variant on protein function. The variant was absent in 251292 control chromosomes. The available data on variant occurrences in the general population are insufficient to allow any conclusion about variant significance. To our knowledge, no occurrence of c.1204T>G in individuals affected with Gaucher Disease and no experimental evidence demonstrating its impact on protein function have been reported. No submitters have cited clinical-significance assessments for this variant to ClinVar. Based on the evidence outlined above, the variant was classified as uncertain significance.

NM_000157.4(GBA1):c.1204T>G (p.Tyr402Asp)

Genes: GBA1 (glucosylceramidase beta 1; minus strand), LOC106627981 (GBA recombination region; plus strand). Cytogenetic location: 1q22.
Variant type: single nucleotide variant.
Coding change: c.1204T>G on transcript NM_000157.4 (MANE Select); coding-DNA position 1204, T replaced by G.
Protein change: p.Tyr402Asp; replaces tyrosine 402 with aspartic acid.
Molecular consequence: missense variant.
Genome position (GRCh38, 1-based): chr1:155,236,265, A>C on the plus strand (T>G on the coding strand, the complement: GBA1 is on the minus strand). VCF-style: chr1-155236265-A-C. GRCh37 (hg19) VCF-style: chr1-155206056-A-C.
Other names: c.1204T>G, p.Tyr402Asp (NM_001005741.3, NM_001005742.3); c.943T>G, p.Tyr315Asp (NM_001171811.2); c.1057T>G, p.Tyr353Asp (NM_001171812.2); short protein forms Y315D, Y353D, Y402D.
Identifiers: ClinVar variation 3251867 (VCV003251867.1), dbSNP rs2524823781.